The following is an entry in ClinVar:

NM_000059.4(BRCA2):c.9763G>A (p.Gly3255Arg)

Gene: BRCA2 (BRCA2 DNA repair associated; plus strand). Cytogenetic location: 13q13.1.
Variant type: single nucleotide variant.
Coding change: c.9763G>A on transcript NM_000059.4 (MANE Select); coding-DNA position 9763, G replaced by A.
Protein change: p.Gly3255Arg; replaces glycine 3255 with arginine.
Molecular consequence: missense variant.
Genome position (GRCh38, 1-based): chr13:32,398,276, G>A. VCF-style: chr13-32398276-G-A. GRCh37 (hg19) VCF-style: chr13-32972413-G-A.
Other names: short protein forms G3255R.
Identifiers: ClinVar variation 441414 (VCV000441414.17), dbSNP rs764208320, ClinGen allele CA6941446.

ClinVar aggregate classification (germline): Uncertain significance. Review status: criteria provided, multiple submitters, no conflicts (2 of 4 stars). 3 submissions from 3 submitters: Uncertain significance (3). Last evaluated 2025-11-25.

Conditions:
Hereditary cancer-predisposing syndrome. Also called: Hereditary Cancer Syndrome; Hereditary neoplastic syndrome; Neoplastic Syndromes, Hereditary; Tumor predisposition. Identifiers: Orphanet 140162, MedGen C0027672, MeSH D009386, MONDO:0015356.
Hereditary breast ovarian cancer syndrome. Also called: Hereditary breast and ovarian cancer; Breast and ovarian cancer; Hereditary breast and ovarian cancer syndrome; Hereditary breast and/or ovarian cancer syndrome; BRCA1- and BRCA2-Associated Hereditary Breast and Ovarian Cancer; Hereditary breast and ovarian cancer syndrome (HBOC). Identifiers: Orphanet 145, MedGen C0677776, MeSH D061325, MONDO:0003582. Disease mechanism: loss of function.

Allele frequency attached by ClinVar (database versions not stated): ExAC 0.00001; gnomAD 0.00001; TOPMed 0.00002.
gnomAD v4.1: 3 of 1,614,030 alleles (0.00019%); highest among the groups gnomAD compares: East Asian, 0.0022%; no homozygotes.

Submissions (3):

Ambry Genetics
Classification: Uncertain significance for Hereditary cancer-predisposing syndrome. Last evaluated: 2025-11-25. Review status: criteria provided, single submitter. Criteria: Ambry Variant Classification Scheme 2023. Collection method: clinical testing. Allele origin: germline.
Comment: The p.G3255R variant (also known as c.9763G>A), located in coding exon 26 of the BRCA2 gene, results from a G to A substitution at nucleotide position 9763. The glycine at codon 3255 is replaced by arginine, an amino acid with dissimilar properties. This variant was not reported in population based cohorts in the following databases: Database of Single Nucleotide Polymorphisms (dbSNP), NHLBI Exome Sequencing Project (ESP), and 1000 Genomes Project. In the ESP, this variant was not observed in 6503 samples (13006 alleles) with coverage at this position. To date, this alteration has been detected with an allele frequency of approximately 0.0003% (greater than 300000 alleles tested) in our clinical cohort. This amino acid position is not well conserved in available vertebrate species. In addition, this alteration is predicted to be tolerated by in silico analysis. Since supporting evidence is limited at this time, the clinical significance of this alteration remains unclear.

Labcorp Genetics (formerly Invitae), Labcorp
Classification: Uncertain significance for Hereditary breast ovarian cancer syndrome. Last evaluated: 2025-10-10. Review status: criteria provided, single submitter. Criteria: Invitae Variant Classification Sherloc (09022015). Collection method: clinical testing. Allele origin: germline.
Comment: This sequence change replaces glycine, which is neutral and non-polar, with arginine, which is basic and polar, at codon 3255 of the BRCA2 protein (p.Gly3255Arg). This variant is not present in population databases (gnomAD no frequency). This variant has not been reported in the literature in individuals affected with BRCA2-related conditions. ClinVar contains an entry for this variant (Variation ID: 441414). Invitae Evidence Modeling of protein sequence and biophysical properties (such as structural, functional, and spatial information, amino acid conservation, physicochemical variation, residue mobility, and thermodynamic stability) indicates that this missense variant is not expected to disrupt BRCA2 protein function with a negative predictive value of 95%. In summary, the available evidence is currently insufficient to determine the role of this variant in disease. Therefore, it has been classified as a Variant of Uncertain Significance.

Color Diagnostics, LLC DBA Color Health
Classification: Uncertain significance for Hereditary cancer-predisposing syndrome. Last evaluated: 2025-08-04. Review status: criteria provided, single submitter. Criteria: ACMG Guidelines, 2015. Collection method: clinical testing. Allele origin: germline.
Comment: This missense variant replaces glycine with arginine at codon 3255 of the BRCA2 protein. Computational prediction suggests that this variant may not impact protein structure and function. To our knowledge, functional studies have not been reported for this variant. This variant has been reported in an individual affected with breast cancer (PMID: 35864222) and a multifactorial analysis has reached a combined likelihood ratio (LR) of 0.142 based on reported LR for co-occurrence with a pathogenic variant and personal and family history for 1 carrier (PMID: 31131967, 31853058). This variant has not been identified in the general population by the Genome Aggregation Database (gnomAD). The available evidence is insufficient to determine the role of this variant in disease conclusively. Therefore, this variant is classified as a Variant of Uncertain Significance.

Literature cited by the submitters: PubMed 31131967 (cited by Color Diagnostics, LLC DBA Color Health); PubMed 31853058 (cited by Color Diagnostics, LLC DBA Color Health); PubMed 35864222 (cited by Color Diagnostics, LLC DBA Color Health).